The following is an entry in ClinVar:

ClinVar aggregate classification (germline): Benign. Review status: reviewed by expert panel (3 of 4 stars). 7 submissions from 7 submitters: Benign (1). 6 of the submissions do not count toward it. Last evaluated 2024-05-09.

Conditions:
Early-infantile DEE. Also called: Early infantile epileptic encephalopathy; Early infantile epileptic encephalopathy with suppression bursts; Ohtahara syndrome. Identifiers: Orphanet 1934, MedGen C0393706, MONDO:0800491.
Inborn genetic diseases. Identifiers: MedGen C0950123, MeSH D030342.
Severe myoclonic epilepsy in infancy (DRVT). Also called: Severe Myoclonic Epilepsy in Infancy (SMEI); Dravet syndrome; Epileptic encephalopathy, early infantile, 6 (Dravet syndrome); SEVERE MYOCLONIC EPILEPSY OF INFANCY; DEVELOPMENTAL AND EPILEPTIC ENCEPHALOPATHY 6A. Identifiers: Orphanet 33069, MedGen C0751122, MONDO:0100135, OMIM 607208.

Allele frequency attached by ClinVar (database versions not stated): gnomAD exomes 0.00027 and 0.00011; ExAC 0.00037; 1000 Genomes Project 30x 0.00219; ESP Exome Variant Server 0.00177; TOPMed 0.00125; 1000 Genomes Project 0.00180; gnomAD 0.00113 and 0.00121.
gnomAD v4.1: 331 of 1,605,970 alleles (0.021%); highest among the groups gnomAD compares: African/African-American, 0.42%; no homozygotes.

Submissions (17):

ClinGen Epilepsy Sodium Channel Variant Curation Expert Panel, Clingen
Classification: Benign for Severe myoclonic epilepsy in infancy. Last evaluated: 2024-05-09. Review status: reviewed by expert panel. Criteria: ClinGen EpilepsySCN ACMG Specifications SCN1A V1.0.0. Collection method: curation. Allele origin: germline. Inheritance: Autosomal dominant inheritance.
Comment: This is a missense variant in SCN1A, c.4393A>G, (p.Ile1465Val). This variant is present in gnomAD at 0.04% within the total population, with the highest sub-population frequency of 0.4% within the African/African population American population (BA1). In summary, this variant meets criteria to be classified as benign for autosomal dominant dravet syndrome based on the ACMG/AMP criteria applied, as specified by the ClinGen Epilepsy Sodium Channel VCEP: BA1 (version 1.0; approved 6/13/23).

Labcorp Genetics (formerly Invitae), Labcorp
Classification: Likely benign for Early-infantile DEE. Last evaluated: 2026-01-25. Review status: criteria provided, single submitter. Criteria: Invitae Variant Classification Sherloc (09022015). Collection method: clinical testing. Allele origin: germline. Not counted in ClinVar's aggregate classification.

Ambry Genetics
Classification: Likely benign for Inborn genetic diseases. Last evaluated: 2018-02-05. Review status: criteria provided, single submitter. Criteria: Ambry Variant Classification Scheme 2023. Collection method: clinical testing. Allele origin: germline. Not counted in ClinVar's aggregate classification.

GeneDx
Classification: Benign. Last evaluated: 2014-04-03. Review status: criteria provided, single submitter. Criteria: GeneDx Variant Classification (06012015). Collection method: clinical testing. Allele origin: germline. Affected: yes. Not counted in ClinVar's aggregate classification.
Comment: This variant is considered likely benign or benign based on one or more of the following criteria: it is a conservative change, it occurs at a poorly conserved position in the protein, it is predicted to be benign by multiple in silico algorithms, and/or has population frequency not consistent with disease.

Eurofins Ntd Llc (ga)
Classification: Benign. Last evaluated: 2014-02-07. Review status: criteria provided, single submitter. Criteria: EGL Classification Definitions 2015. Collection method: clinical testing. Allele origin: germline. Observed: 2 variant alleles, 2 heterozygotes. Not counted in ClinVar's aggregate classification.

Breakthrough Genomics
Classification: Likely benign. Review status: criteria provided, single submitter. Criteria: ACMG Guidelines, 2015. Collection method: not provided. Allele origin: germline. Inheritance: Autosomal dominant inheritance. Affected: yes. Not counted in ClinVar's aggregate classification.

PreventionGenetics, part of Exact Sciences
Classification: Benign. Review status: criteria provided, single submitter. Criteria: ACMG Guidelines, 2015. Collection method: clinical testing. Allele origin: germline. Not counted in ClinVar's aggregate classification.

Channelopathy-Associated Epilepsy Research Center
No classification provided (evidence only). Review status: no classification provided. Collection method: in vitro. Allele origin: not applicable. Functional consequence: Normal peak current. Not counted in ClinVar's aggregate classification.

Channelopathy-Associated Epilepsy Research Center
No classification provided (evidence only). Review status: no classification provided. Collection method: in vitro. Allele origin: not applicable. Functional consequence: Normal voltage dependence of activation. Not counted in ClinVar's aggregate classification.

Channelopathy-Associated Epilepsy Research Center
No classification provided (evidence only). Review status: no classification provided. Collection method: in vitro. Allele origin: not applicable. Functional consequence: Normal slope of activation. Not counted in ClinVar's aggregate classification.

Channelopathy-Associated Epilepsy Research Center
No classification provided (evidence only). Review status: no classification provided. Collection method: in vitro. Allele origin: not applicable. Functional consequence: Normal voltage dependence of fast inactivation. Not counted in ClinVar's aggregate classification.

Channelopathy-Associated Epilepsy Research Center
No classification provided (evidence only). Review status: no classification provided. Collection method: in vitro. Allele origin: not applicable. Functional consequence: Normal slope of fast inactivation. Not counted in ClinVar's aggregate classification.

Channelopathy-Associated Epilepsy Research Center
No classification provided (evidence only). Review status: no classification provided. Collection method: in vitro. Allele origin: not applicable. Functional consequence: Normal rate of recovery from fast inactivation. Not counted in ClinVar's aggregate classification.

Channelopathy-Associated Epilepsy Research Center
No classification provided (evidence only). Review status: no classification provided. Collection method: in vitro. Allele origin: not applicable. Functional consequence: Normal current amplitude in use dependence. Not counted in ClinVar's aggregate classification.

Channelopathy-Associated Epilepsy Research Center
No classification provided (evidence only). Review status: no classification provided. Collection method: in vitro. Allele origin: not applicable. Functional consequence: Normal fast inactivation. Not counted in ClinVar's aggregate classification.

Channelopathy-Associated Epilepsy Research Center
No classification provided (evidence only). Review status: no classification provided. Collection method: in vitro. Allele origin: not applicable. Functional consequence: Normal ramp current. Not counted in ClinVar's aggregate classification.

Channelopathy-Associated Epilepsy Research Center
No classification provided (evidence only). Review status: no classification provided. Collection method: in vitro. Allele origin: not applicable. Functional consequence: Normal persistent current. Not counted in ClinVar's aggregate classification.

NM_001165963.4(SCN1A):c.4393A>G (p.Ile1465Val)

Genes: SCN1A (sodium voltage-gated channel alpha subunit 1; minus strand), LOC102724058 (uncharacterized LOC102724058; plus strand). Cytogenetic location: 2q24.3.
Variant type: single nucleotide variant.
Coding change: c.4393A>G on transcript NM_001165963.4 (MANE Select); coding-DNA position 4393, A replaced by G.
Protein change: p.Ile1465Val; replaces isoleucine 1465 with valine.
Molecular consequence: missense variant. On other transcripts: non-coding transcript variant (1).
Genome position (GRCh38, 1-based): chr2:165,998,121, T>C on the plus strand (A>G on the coding strand, the complement: SCN1A is on the minus strand). VCF-style: chr2-165998121-T-C. GRCh37 (hg19) VCF-style: chr2-166854631-T-C.
Other names: p.I1465V:ATT>GTT; NM_001165963.4(SCN1A):c.4393A>G; c.4309A>G, p.Ile1437Val (NM_001165964.3, NM_001353957.2, NM_001353958.2); c.4393A>G, p.Ile1465Val (NM_001202435.3, NM_001353948.2); c.4360A>G, p.Ile1454Val (NM_001353949.2, NM_001353950.2, NM_001353951.2 and 2 more transcripts); c.4357A>G, p.Ile1453Val (NM_001353954.2, NM_001353955.2); c.4306A>G, p.Ile1436Val (NM_001353960.2); c.1951A>G, p.Ile651Val (NM_001353961.2); short protein forms I1454V, I1465V, I1453V, I1436V, I1437V, I651V.
Identifiers: ClinVar variation 138982 (VCV000138982.25), dbSNP rs138231868, ClinGen allele CA295639.